The following is an entry in ClinVar:

ClinVar aggregate classification (germline): Pathogenic (1 of 4 stars; one submission).

Conditions:
Bone marrow failure syndrome 3 (BMFS3). Identifiers: MedGen C4310744, MONDO:0014887, OMIM 617052.

Submission:

3billion
Classification: Pathogenic for Bone marrow failure syndrome 3. Last evaluated: 2025-11-20. Review status: criteria provided, single submitter. Criteria: ACMG Guidelines, 2015. Collection method: clinical testing. Allele origin: germline. Affected: yes.
Comment: The variant is not observed in the gnomAD v4.1.0 dataset. Predicted Consequence/Location: Frameshift: predicted to result in a loss or disruption of normal protein function through nonsense-mediated decay (NMD) or protein truncation. Multiple pathogenic variants are reported downstream of the variant. Therefore, this variant is classified as Pathogenic according to the recommendation of ACMG/AMP guideline.

NM_001012339.3(DNAJC21):c.781_782del (p.Met261fs)

Gene: DNAJC21 (DnaJ heat shock protein family (Hsp40) member C21; plus strand). Cytogenetic location: 5p13.2.
Variant type: Deletion.
Coding change: c.781_782del on transcript NM_001012339.3 (MANE Select); coding-DNA positions 781 to 782, 2 bases deleted (AT; older notation c.781_782delAT).
Protein change: p.Met261fs; shifts the reading frame from methionine 261.
Molecular consequence: frameshift variant.
Genome position (GRCh38, 1-based): chr5:34,938,895-34,938,896, AT deleted; deleting any 2 consecutive bases within chr5:34,938,894-34,938,896 gives the same sequence; the c. name uses the placement nearest the transcript's 3' end. VCF-style (leftmost placement, unchanged base first): chr5-34938893-CTA-C. GRCh37 (hg19) VCF-style: chr5-34938998-CTA-C.
Other names: c.781_782del, p.Met261fs (NM_001348420.2, NM_194283.4); short protein forms M261fs.
Identifiers: ClinVar variation 4854217 (VCV004854217.1).